The following is an entry in ClinVar:

NM_000334.4(SCN4A):c.2998C>G (p.Gln1000Glu)

Genes: GH-LCR (growth hormone locus control region; plus strand), SCN4A (sodium voltage-gated channel alpha subunit 4; minus strand). Cytogenetic location: 17q23.3.
Variant type: single nucleotide variant.
Coding change: c.2998C>G on transcript NM_000334.4 (MANE Select); coding-DNA position 2998, C replaced by G.
Protein change: p.Gln1000Glu; replaces glutamine 1000 with glutamic acid.
Molecular consequence: missense variant.
Genome position (GRCh38, 1-based): chr17:63,948,757, G>C on the plus strand (C>G on the coding strand, the complement: SCN4A is on the minus strand). VCF-style: chr17-63948757-G-C. GRCh37 (hg19) VCF-style: chr17-62026117-G-C.
Other names: short protein forms Q1000E.
Identifiers: ClinVar variation 1721900 (VCV001721900.6), dbSNP rs1908810990, ClinGen allele CA400621819.

ClinVar aggregate classification (germline): Uncertain significance (1 of 4 stars; one submission).

Conditions:
Hyperkalemic periodic paralysis. Also called: Familial hyperkalemic periodic paralysis; Gamstorp disease. Identifiers: Orphanet 682, MedGen C0238357, MONDO:0008224, OMIM 170500, HP:0007215.

Submission:

Labcorp Genetics (formerly Invitae), Labcorp
Classification: Uncertain significance for Hyperkalemic periodic paralysis. Last evaluated: 2022-10-20. Review status: criteria provided, single submitter. Criteria: Invitae Variant Classification Sherloc (09022015). Collection method: clinical testing. Allele origin: germline.
Comment: Advanced modeling of protein sequence and biophysical properties (such as structural, functional, and spatial information, amino acid conservation, physicochemical variation, residue mobility, and thermodynamic stability) performed at Invitae indicates that this missense variant is not expected to disrupt SCN4A protein function. In summary, the available evidence is currently insufficient to determine the role of this variant in disease. Therefore, it has been classified as a Variant of Uncertain Significance. This variant has not been reported in the literature in individuals affected with SCN4A-related conditions. This variant is not present in population databases (gnomAD no frequency). This sequence change replaces glutamine, which is neutral and polar, with glutamic acid, which is acidic and polar, at codon 1000 of the SCN4A protein (p.Gln1000Glu).